The following is an entry in ClinVar:

ClinVar aggregate classification (germline): Uncertain significance (1 of 4 stars; one submission).

Allele frequency attached by ClinVar (database versions not stated): gnomAD exomes below 0.00001.
gnomAD v4.1: 1 of 1,610,058 alleles (0.000062%); highest among the groups gnomAD compares: Non-Finnish European, 0.000085%; no homozygotes.

Submission:

CeGaT Center for Human Genetics Tuebingen
Classification: Uncertain significance. Last evaluated: 2023-03-01. Review status: criteria provided, single submitter. Criteria: CeGaT Center For Human Genetics Tuebingen Variant Classification Criteria Version 2. Collection method: clinical testing. Allele origin: germline. Affected: yes. Observed: 1 variant allele.
Comment: NHERF1: PM2, BP4

NM_004252.5(NHERF1):c.718A>C (p.Lys240Gln)

Gene: NHERF1 (NHERF family PDZ scaffold protein 1; plus strand). Cytogenetic location: 17q25.1.
Variant type: single nucleotide variant.
Coding change: c.718A>C on transcript NM_004252.5 (MANE Select); coding-DNA position 718, A replaced by C.
Protein change: p.Lys240Gln; replaces lysine 240 with glutamine.
Molecular consequence: missense variant.
Genome position (GRCh38, 1-based): chr17:74,763,481, A>C. VCF-style: chr17-74763481-A-C. GRCh37 (hg19) VCF-style: chr17-72759620-A-C.
Other names: short protein forms K240Q.
Identifiers: ClinVar variation 2648233 (VCV002648233.24), dbSNP rs2509544598, ClinGen allele CA400940287.